The following is an entry in ClinVar:

NM_000384.3(APOB):c.11921C>T (p.Ala3974Val)

Gene: APOB (apolipoprotein B; minus strand). Cytogenetic location: 2p24.1.
Variant type: single nucleotide variant.
Coding change: c.11921C>T on transcript NM_000384.3 (MANE Select); coding-DNA position 11921, C replaced by T.
Protein change: p.Ala3974Val; replaces alanine 3974 with valine.
Molecular consequence: missense variant.
Genome position (GRCh38, 1-based): chr2:21,004,435, G>A on the plus strand (C>T on the coding strand, the complement: APOB is on the minus strand). VCF-style: chr2-21004435-G-A. GRCh37 (hg19) VCF-style: chr2-21227307-G-A.
Other names: short protein forms A3974V.
Identifiers: ClinVar variation 4793631 (VCV004793631.2).

ClinVar aggregate classification (germline): Conflicting classifications of pathogenicity. Review status: criteria provided, conflicting classifications (1 of 4 stars). 2 submissions from 2 submitters: Uncertain significance (1); Likely benign (1). Last evaluated 2026-09-29.

Conditions:
Familial hypercholesterolemia. Also called: Familial hypercholesterolemias; Familial hypercholesterolaemia. Identifiers: MedGen C0020445, MONDO:0005439.
Familial hypobetalipoproteinemia 1. Also called: APOB-Related Familial Hypobetalipoproteinemia; Hypobetalipoproteinemia, normotriglyceridemic; Acanthocytosis with hypobetalipoproteinemia. Identifiers: MedGen C4551990, MONDO:0014252, OMIM 615558.
Hypercholesterolemia, autosomal dominant, type B (FHCL2). Also called: APOLIPOPROTEIN B-100, FAMILIAL DEFECTIVE; APOLIPOPROTEIN B-100, FAMILIAL LIGAND-DEFECTIVE; HYPERCHOLESTEROLEMIA, FAMILIAL, DUE TO LIGAND-DEFECTIVE APOLIPOPROTEIN B; Hyperlipoproteinemia Type IIb; Familial Hypercholesterolemia Type B; Familial hypercholesterolemia 2. Identifiers: MedGen C1704417, MONDO:0007751, OMIM 144010.

gnomAD v4.1: 9 of 1,613,838 alleles (0.00056%); highest among the groups gnomAD compares: African/African-American, 0.004%; no homozygotes.

Submissions (2):

Cambridge Genomics Laboratory, East Genomic Laboratory Hub, NHS Genomic Medicine Service
Classification: Uncertain significance for Familial hypercholesterolaemia. Last evaluated: 2026-09-29. Review status: criteria provided, single submitter. Criteria: ACGS Best Practice Guidelines for Variant Classification in Rare Disease 2020. Collection method: clinical testing. Allele origin: germline. Affected: yes.
Comment: PM2_Supporting,PP4

Labcorp Genetics (formerly Invitae), Labcorp
Classification: Likely benign for Familial hypobetalipoproteinemia 1; Hypercholesterolemia, autosomal dominant, type B. Last evaluated: 2025-09-19. Review status: criteria provided, single submitter. Criteria: Invitae Variant Classification Sherloc (09022015). Collection method: clinical testing. Allele origin: germline.